The following is an entry in ClinVar:

ClinVar aggregate classification (germline): Uncertain significance. Review status: criteria provided, multiple submitters, no conflicts (2 of 4 stars). 2 submissions from 2 submitters: Uncertain significance (2). Last evaluated 2025-07-03.

Conditions:
Cardiovascular phenotype. Identifiers: MedGen CN230736.

Allele frequency attached by ClinVar (database versions not stated): TOPMed 0.00002; ExAC 0.00001; gnomAD 0.00001; gnomAD exomes 0.00002.

Submissions (2):

Ambry Genetics
Classification: Uncertain significance for Cardiovascular phenotype. Last evaluated: 2025-07-03. Review status: criteria provided, single submitter. Criteria: Ambry Variant Classification Scheme 2023. Collection method: clinical testing. Allele origin: germline.

Women's Health and Genetics/Laboratory Corporation of America, LabCorp
Classification: Uncertain significance. Last evaluated: 2025-02-17. Review status: criteria provided, single submitter. Criteria: LabCorp Variant Classification Summary - May 2015. Collection method: clinical testing. Allele origin: germline.
Comment: Variant summary: TNXB c.8302G>A (p.Val2768Met) results in a conservative amino acid change located in the Fibronectin type III domain (IPR003961) of the encoded protein sequence. Three of five in-silico tools predict a benign effect of the variant on protein function. The variant allele was found at a frequency of 2e-05 in 246148 control chromosomes. The available data on variant occurrences in the general population are insufficient to allow any conclusion about variant significance. To our knowledge, no occurrence of c.8302G>A in individuals affected with Ehlers-Danlos syndrome due to tenascin-X deficiency and no experimental evidence demonstrating its impact on protein function have been reported. ClinVar contains an entry for this variant (Variation ID: 1762848). Based on the evidence outlined above, the variant was classified as uncertain significance.

NM_001365276.2(TNXB):c.8302G>A (p.Val2768Met)

Gene: TNXB (tenascin XB; minus strand). Cytogenetic location: 6p21.33.
Variant type: single nucleotide variant.
Coding change: c.8302G>A on transcript NM_001365276.2 (MANE Select); coding-DNA position 8302, G replaced by A.
Protein change: p.Val2768Met; replaces valine 2768 with methionine.
Molecular consequence: missense variant.
Genome position (GRCh38, 1-based): chr6:32,056,016, C>T on the plus strand (G>A on the coding strand, the complement: TNXB is on the minus strand). VCF-style: chr6-32056016-C-T. GRCh37 (hg19) VCF-style: chr6-32023793-C-T.
Other names: c.8302G>A, p.Val2768Met (NM_019105.8); short protein forms V2768M.
Identifiers: ClinVar variation 1762848 (VCV001762848.4), dbSNP rs750506090, ClinGen allele CA3733893.
Genomic context (GRCh38, chr6:32,056,016, plus strand): 5'-CGCTCTCCTCGCCCCTGACACGCATCACCTGGGGCCGCCCGTCCCTGTCCTTGTACTGCA[C>T]GGTGAAGGAGTCGAAGTGGCCCTGGGGGATGGTCCAGGAGAGGCTCAGCGAGTCAGGGGA-3'
Protein context (NP_001352205.1, residues 2758-2778): IPQGHFDSFT[Val2768Met]QYKDRDGRPQ